The following is an entry in ClinVar:

ClinVar aggregate classification (germline): Uncertain significance (1 of 4 stars; one submission).

gnomAD v4.1: 190 of 692,312 alleles (0.027%); highest among the groups gnomAD compares: South Asian, 0.21%; 2 homozygotes.

Submission:

GeneDx
Classification: Uncertain significance. Last evaluated: 2025-01-28. Review status: criteria provided, single submitter. Criteria: GeneDx Variant Classification Process June 2021. Collection method: clinical testing. Allele origin: germline. Affected: yes.
Comment: In silico analysis indicates that this missense variant does not alter protein structure/function; Has not been previously published as pathogenic or benign to our knowledge

NM_001270974.2(HYDIN):c.1480C>G (p.Leu494Val)

Gene: HYDIN (HYDIN axonemal central pair apparatus protein; minus strand). Cytogenetic location: 16q22.2.
Variant type: single nucleotide variant.
Coding change: c.1480C>G on transcript NM_001270974.2 (MANE Select); coding-DNA position 1480, C replaced by G.
Protein change: p.Leu494Val; replaces leucine 494 with valine.
Molecular consequence: missense variant.
Genome position (GRCh38, 1-based): chr16:71,088,491, G>C on the plus strand (C>G on the coding strand, the complement: HYDIN is on the minus strand). VCF-style: chr16-71088491-G-C. GRCh37 (hg19) VCF-style: chr16-71122394-G-C.
Other names: c.1561C>G, p.Leu521Val (NM_001198542.1); c.1531C>G, p.Leu511Val (NM_001198543.1); c.1480C>G, p.Leu494Val (NM_017558.5); short protein forms L494V, L511V, L521V.
Identifiers: ClinVar variation 4071668 (VCV004071668.1).
Genomic context (GRCh38, chr16:71,088,491, plus strand): 5'-CCTTGGGACTGAAAACAAAGCAGGCCCCCAAAGCTGAAGTTGGAGGGGTCATGTTGAAGA[G>C]AGCATCGATGCTGCCTTTGTTGTACAGTATCGCCTATATCAATAAAAGGCAAGAATGTGA-3'
Protein context (NP_001257903.1, residues 484-504): ILYNKGSIDA[Leu494Val]FNMTPPTSAL